The following is an entry in ClinVar:

NM_000069.3(CACNA1S):c.245T>C (p.Leu82Pro)

Gene: CACNA1S (calcium voltage-gated channel subunit alpha1 S; minus strand). Cytogenetic location: 1q32.1.
Variant type: single nucleotide variant.
Coding change: c.245T>C on transcript NM_000069.3 (MANE Select); coding-DNA position 245, T replaced by C.
Protein change: p.Leu82Pro; replaces leucine 82 with proline.
Molecular consequence: missense variant.
Genome position (GRCh38, 1-based): chr1:201,110,177, A>G on the plus strand (T>C on the coding strand, the complement: CACNA1S is on the minus strand). VCF-style: chr1-201110177-A-G. GRCh37 (hg19) VCF-style: chr1-201079305-A-G.
Other names: short protein forms L82P.
Identifiers: ClinVar variation 3577872 (VCV003577872.2).

ClinVar aggregate classification (germline): Uncertain significance. Review status: criteria provided, multiple submitters, no conflicts (2 of 4 stars). 2 submissions from 2 submitters: Uncertain significance (2). Last evaluated 2025-06-03.

Conditions:
Malignant hyperthermia, susceptibility to, 5 (MHS5). Also called: CACNA1S-Related Malignant Hyperthermia Susceptibility. Identifiers: Orphanet 423, MedGen C1866077, MONDO:0011163, OMIM 601887.
Hypokalemic periodic paralysis, type 1. Also called: Hypokalemic Periodic Paralysis Type 1 (AD); HypoPP. Identifiers: Orphanet 681, MedGen C3714580, MONDO:0042979, OMIM 170400.
Congenital myopathy 18. Also called: Myopathy, congenital, due to dihydropyridine receptor defect; DIHYDROPYRIDINE RECEPTOR CONGENITAL MYOPATHY; DHPR CONGENITAL MYOPATHY. Identifiers: MedGen C5830283, MONDO:0859514, OMIM 620246.
Thyrotoxic periodic paralysis, susceptibility to, 1 (TTPP1). Identifiers: Orphanet 79102, MedGen C2749982, MONDO:0008570, OMIM 188580.

Submissions (2):

Color Diagnostics, LLC DBA Color Health
Classification: Uncertain significance for Malignant hyperthermia, susceptibility to, 5. Last evaluated: 2025-06-03. Review status: criteria provided, single submitter. Criteria: ACMG Guidelines, 2015. Collection method: clinical testing. Allele origin: germline.
Comment: This missense variant replaces leucine with proline at codon 82 of the CACNA1S protein. Computational prediction suggests that this variant may have deleterious impact on protein structure and function. To our knowledge, functional studies have not been reported for this variant. This variant has not been reported in individuals affected with CACNA1S-related disorders in the literature. This variant has not been identified in the general population by the Genome Aggregation Database (gnomAD). The available evidence is insufficient to determine the role of this variant in disease conclusively. Therefore, this variant is classified as a Variant of Uncertain Significance.

Fulgent Genetics
Classification: Uncertain significance for Hypokalemic periodic paralysis, type 1; Thyrotoxic periodic paralysis, susceptibility to, 1; Malignant hyperthermia, susceptibility to, 5; Congenital myopathy 18. Last evaluated: 2024-02-25. Review status: criteria provided, single submitter. Criteria: ACMG Guidelines, 2015. Collection method: clinical testing. Allele origin: germline.